The following is an entry in ClinVar:

ClinVar aggregate classification (germline): Pathogenic (1 of 4 stars; one submission).

Conditions:
Hereditary cancer-predisposing syndrome. Also called: Tumor predisposition; Hereditary neoplastic syndrome; Neoplastic Syndromes, Hereditary; Hereditary Cancer Syndrome. Identifiers: Orphanet 140162, MedGen C0027672, MeSH D009386, MONDO:0015356.

Submission:

Ambry Genetics
Classification: Pathogenic for Hereditary cancer-predisposing syndrome. Last evaluated: 2025-05-28. Review status: criteria provided, single submitter. Criteria: Ambry Variant Classification Scheme 2023. Collection method: clinical testing. Allele origin: germline.
Comment: The c.691_707del17 pathogenic mutation, located in coding exon 4 of the BARD1 gene, results from a deletion of 17 nucleotides at nucleotide positions 691 to 707, causing a translational frameshift with a predicted alternate stop codon (p.S231Afs*8). This variant is considered to be rare based on population cohorts in the Genome Aggregation Database (gnomAD). This alteration is expected to result in loss of function by premature protein truncation or nonsense-mediated mRNA decay. As such, this alteration is interpreted as a disease-causing mutation.

NM_000465.4(BARD1):c.691_707del (p.Ser231fs)

Gene: BARD1 (BRCA1 associated RING domain 1; minus strand). Cytogenetic location: 2q35.
Variant type: Deletion.
Coding change: c.691_707del on transcript NM_000465.4 (MANE Select); coding-DNA positions 691 to 707, 17 bases deleted (TCCAAAGAGGAATCTAA).
Protein change: p.Ser231fs; shifts the reading frame from serine 231.
Molecular consequence: frameshift variant. On other transcripts: non-coding transcript variant (2), intron variant (3).
Genome position (GRCh38, 1-based): chr2:214,781,167-214,781,183, TTAGATTCCTCTTTGGA deleted on the plus strand (TCCAAAGAGGAATCTAA on the coding strand, the reverse complement: BARD1 is on the minus strand). VCF-style (leftmost placement, unchanged base first): chr2-214781166-CTTAGATTCCTCTTTGGA-C. GRCh37 (hg19) VCF-style: chr2-215645890-CTTAGATTCCTCTTTGGA-C.
Other names: c.634_650del, p.Ser212fs (NM_001282543.2); c.158+28229_158+28245del (NM_001282548.2); c.215+15878_215+15894del (NM_001282545.2); c.364+11114_364+11130del (NM_001282549.2); short protein forms S212fs, S231fs.
Identifiers: ClinVar variation 3988569 (VCV003988569.1).
Genomic context (GRCh38, chr2:214,781,166, plus strand): 5'-ACCATTTATCTGAGGACTGGAGATAACAGATGGTTGGCTACAGAAGGATACCAGCTTTTG[CTTAGATTCCTCTTTGGA>C]GTCAAATTCACCATCTTCTTTTTCTGCCTCTAAATTCCATTTTTGGTTGATTTCAGCTAA-3'